The following is an entry in ClinVar:

NM_138694.4(PKHD1):c.10209C>T (p.Phe3403=)

Gene: PKHD1 (PKHD1 ciliary IPT domain containing fibrocystin/polyductin; minus strand). Cytogenetic location: 6p12.3.
Variant type: single nucleotide variant.
Coding change: c.10209C>T on transcript NM_138694.4 (MANE Select); coding-DNA position 10209, C replaced by T.
Protein change: p.Phe3403=; no amino-acid change (phenylalanine 3403 retained).
Molecular consequence: synonymous variant.
Genome position (GRCh38, 1-based): chr6:51,659,917, G>A on the plus strand (C>T on the coding strand, the complement: PKHD1 is on the minus strand). VCF-style: chr6-51659917-G-A. GRCh37 (hg19) VCF-style: chr6-51524715-G-A.
Other names: c.10209C>T (NM_138694.3).
Identifiers: ClinVar variation 2890403 (VCV002890403.4), dbSNP rs1311992653, ClinGen allele CA450613352.
Genomic context (GRCh38, chr6:51,659,917, plus strand): 5'-TGCCCAAATGGCATCAGCGCTATCAAGAATTAGGACCACTTGGTCAGTCTGTTTGCAGAT[G>A]AATCCTTGCATCAGAAATTGGTATGTACATTTCTGTTCTTCTCTAAATGTACCTATAAAA-3'
Protein context (NP_619639.3, residues 3393-3413): KCTYQFLMQG[Phe3403=]ICKQTDQVVL

ClinVar aggregate classification (germline): Likely benign. Review status: criteria provided, multiple submitters, no conflicts (2 of 4 stars). 2 submissions from 2 submitters: Likely benign (2). Last evaluated 2024-10-11.

Conditions:
Autosomal recessive polycystic kidney disease (ARPKD). Also called: AR polycystic kidney disease. Identifiers: Orphanet 731, Orphanet 8378, MedGen C0085548, MeSH D017044, MONDO:0009889.
PKHD1-related disorder. Also called: PKHD1-related condition.

Allele frequency attached by ClinVar (database versions not stated): gnomAD exomes below 0.00001; TOPMed below 0.00001.
gnomAD v4.1: 2 of 1,612,280 alleles (0.00012%); highest among the groups gnomAD compares: Non-Finnish European, 0.000085%; no homozygotes.

Submissions (2):

PreventionGenetics, part of Exact Sciences
Classification: Likely benign for PKHD1-related condition. Last evaluated: 2024-10-11. Review status: criteria provided, single submitter. Criteria: ACMG Guidelines, 2015. Collection method: clinical testing. Allele origin: germline.
Comment: This variant is classified as likely benign based on ACMG/AMP sequence variant interpretation guidelines (Richards et al. 2015 PMID: 25741868, with internal and published modifications).

Labcorp Genetics (formerly Invitae), Labcorp
Classification: Likely benign for Autosomal recessive polycystic kidney disease. Last evaluated: 2024-02-08. Review status: criteria provided, single submitter. Criteria: Invitae Variant Classification Sherloc (09022015). Collection method: clinical testing. Allele origin: germline.